The following is an entry in ClinVar:

ClinVar aggregate classification (germline): Uncertain significance (1 of 4 stars; one submission).

Submission:

Labcorp Genetics (formerly Invitae), Labcorp
Classification: Uncertain significance. Last evaluated: 2022-08-02. Review status: criteria provided, single submitter. Criteria: Invitae Variant Classification Sherloc (09022015). Collection method: clinical testing. Allele origin: germline.
Comment: Algorithms developed to predict the effect of missense changes on protein structure and function (SIFT, PolyPhen-2, Align-GVGD) all suggest that this variant is likely to be tolerated. In summary, the available evidence is currently insufficient to determine the role of this variant in disease. Therefore, it has been classified as a Variant of Uncertain Significance. This variant has not been reported in the literature in individuals affected with ERCC2-related conditions. This variant is not present in population databases (gnomAD no frequency). This sequence change replaces glutamic acid, which is acidic and polar, with glycine, which is neutral and non-polar, at codon 85 of the ERCC2 protein (p.Glu85Gly).

NM_000400.4(ERCC2):c.254A>G (p.Glu85Gly)

Gene: ERCC2 (ERCC excision repair 2, TFIIH core complex helicase subunit; minus strand). Cytogenetic location: 19q13.32.
Variant type: single nucleotide variant.
Coding change: c.254A>G on transcript NM_000400.4 (MANE Select); coding-DNA position 254, A replaced by G.
Protein change: p.Glu85Gly; replaces glutamic acid 85 with glycine.
Molecular consequence: missense variant.
Genome position (GRCh38, 1-based): chr19:45,368,736, T>C on the plus strand (A>G on the coding strand, the complement: ERCC2 is on the minus strand). VCF-style: chr19-45368736-T-C. GRCh37 (hg19) VCF-style: chr19-45871994-T-C.
Other names: c.182A>G, p.Glu61Gly (NM_001130867.2); short protein forms E85G, E61G.
Identifiers: ClinVar variation 2058704 (VCV002058704.4), dbSNP rs2514044117, ClinGen allele CA406378827.